The following is an entry in ClinVar:

NM_133497.4(KCNV2):c.654C>T (p.His218=)

Gene: KCNV2 (potassium voltage-gated channel modifier subfamily V member 2; plus strand). Cytogenetic location: 9p24.2.
Variant type: single nucleotide variant.
Coding change: c.654C>T on transcript NM_133497.4 (MANE Select); coding-DNA position 654, C replaced by T.
Protein change: p.His218=; no amino-acid change (histidine 218 retained).
Molecular consequence: synonymous variant.
Genome position (GRCh38, 1-based): chr9:2,718,393, C>T. VCF-style: chr9-2718393-C-T. GRCh37 (hg19) VCF-style: chr9-2718393-C-T.
Identifiers: ClinVar variation 776403 (VCV000776403.14), dbSNP rs372007584, ClinGen allele CA4965559.

ClinVar aggregate classification (germline): Benign/Likely benign. Review status: criteria provided, multiple submitters, no conflicts (2 of 4 stars). 3 submissions from 3 submitters: Benign (1); Likely benign (1). 1 of the submissions does not count toward it. Last evaluated 2025-12-29.

Conditions:
KCNV2-related disorder. Also called: KCNV2-related condition.

Allele frequency attached by ClinVar (database versions not stated): 1000 Genomes Project 30x 0.00031; 1000 Genomes Project 0.00040; gnomAD 0.00073; TOPMed 0.00098; ESP Exome Variant Server 0.00102.
gnomAD v4.1: 260 of 1,601,178 alleles (0.016%); highest among the groups gnomAD compares: African/African-American, 0.29%; 1 homozygote.

Submissions (3):

Labcorp Genetics (formerly Invitae), Labcorp
Classification: Benign. Last evaluated: 2025-12-29. Review status: criteria provided, single submitter. Criteria: Invitae Variant Classification Sherloc (09022015). Collection method: clinical testing. Allele origin: germline.

Blueprint Genetics
Classification: Likely benign. Last evaluated: 2024-11-26. Review status: criteria provided, single submitter. Criteria: ACMG Guidelines, 2015. Collection method: clinical testing. Allele origin: germline.

PreventionGenetics, part of Exact Sciences
Classification: Likely benign for KCNV2-related condition. Last evaluated: 2019-07-31. Review status: no assertion criteria provided. Collection method: clinical testing. Allele origin: germline. Not counted in ClinVar's aggregate classification.
Comment: This variant is classified as likely benign based on ACMG/AMP sequence variant interpretation guidelines (Richards et al. 2015 PMID: 25741868, with internal and published modifications).